The following is an entry in ClinVar:

NM_001005242.3(PKP2):c.789G>A (p.Thr263=)

Gene: PKP2 (plakophilin 2; minus strand). Cytogenetic location: 12p11.21.
Variant type: single nucleotide variant.
Coding change: c.789G>A on transcript NM_001005242.3 (MANE Select); coding-DNA position 789, G replaced by A.
Protein change: p.Thr263=; no amino-acid change (threonine 263 retained).
Molecular consequence: synonymous variant.
Genome position (GRCh38, 1-based): chr12:32,878,091, C>T on the plus strand (G>A on the coding strand, the complement: PKP2 is on the minus strand). VCF-style: chr12-32878091-C-T. GRCh37 (hg19) VCF-style: chr12-33031025-C-T.
Other names: c.789G>A, p.Thr263= (NM_004572.4).
Identifiers: ClinVar variation 196394 (VCV000196394.17), dbSNP rs760432217, ClinGen allele CA012489.

ClinVar aggregate classification (germline): Conflicting classifications of pathogenicity. Review status: criteria provided, conflicting classifications (1 of 4 stars). 7 submissions from 7 submitters: Uncertain significance (1); Likely benign (6). Last evaluated 2025-08-30.

Conditions:
Cardiovascular phenotype. Identifiers: MedGen CN230736.
Arrhythmogenic right ventricular cardiomyopathy (ARVD). Also called: Arrhythmogenic right ventricular dysplasia; Arrhythmogenic Right Ventricular Cardiomyopathy (ARVC); Arrhythmogenic cardiomyopathy; Cardiomyopathy, ARVC. Identifiers: Orphanet 247, MedGen C0349788, MeSH D019571, MONDO:0016587. Disease mechanism: loss of function. Inheritance: Various modes of inheritance.
Cardiomyopathy (CMYO). Also called: Cardiomyopathies. Identifiers: Orphanet 167848, MedGen C0878544, MONDO:0004994, HP:0001638. Inheritance: Various modes of inheritance.
Arrhythmogenic right ventricular dysplasia 9 (ARVD9). Also called: ARRHYTHMOGENIC RIGHT VENTRICULAR DYSPLASIA, FAMILIAL, 9; Arrhythmogenic Right Ventricular Dysplasia/Cardiomyopathy 9. Identifiers: MedGen C1836906, MONDO:0012180, OMIM 609040.

Allele frequency attached by ClinVar (database versions not stated): gnomAD exomes below 0.00001 and 0.00001; ExAC 0.00001; TOPMed 0.00002; gnomAD 0.00003 and 0.00004.
gnomAD v4.1: 13 of 1,614,168 alleles (0.00081%); highest among the groups gnomAD compares: African/African-American, 0.0053%; no homozygotes.

Submissions (7):

Labcorp Genetics (formerly Invitae), Labcorp
Classification: Likely benign for Arrhythmogenic right ventricular dysplasia 9. Last evaluated: 2025-08-30. Review status: criteria provided, single submitter. Criteria: Invitae Variant Classification Sherloc (09022015). Collection method: clinical testing. Allele origin: germline.

Blueprint Genetics
Classification: Likely benign. Last evaluated: 2024-07-02. Review status: criteria provided, single submitter. Criteria: ACMG Guidelines, 2015. Collection method: clinical testing. Allele origin: germline.

All of Us Research Program, National Institutes of Health
Classification: Likely benign for Arrhythmogenic right ventricular cardiomyopathy. Last evaluated: 2023-11-02. Review status: criteria provided, single submitter. Criteria: ACMG Guidelines, 2015. Collection method: clinical testing. Allele origin: germline. Inheritance: Autosomal dominant inheritance. Observed: 2 variant alleles, 2 heterozygotes.
Comment: This study involves interpretation of variants in research participants for the purpose of population health screening. Participant phenotype was not available at the time of variant classification. Additional details can be found in publication PMID: 35346344, PMCID: PMC8962531

Color Diagnostics, LLC DBA Color Health
Classification: Likely benign for Cardiomyopathy. Last evaluated: 2022-11-06. Review status: criteria provided, single submitter. Criteria: ACMG Guidelines, 2015. Collection method: clinical testing. Allele origin: germline.

Ambry Genetics
Classification: Likely benign for Cardiovascular phenotype. Last evaluated: 2019-11-19. Review status: criteria provided, single submitter. Criteria: Ambry Variant Classification Scheme 2023. Collection method: clinical testing. Allele origin: germline.

Women's Health and Genetics/Laboratory Corporation of America, LabCorp
Classification: Likely benign. Last evaluated: 2019-08-29. Review status: criteria provided, single submitter. Criteria: LabCorp Variant Classification Summary - May 2015. Collection method: clinical testing. Allele origin: germline.

Eurofins Ntd Llc (ga)
Classification: Uncertain significance. Last evaluated: 2015-01-08. Review status: criteria provided, single submitter. Criteria: EGL Classification Definitions 2015. Collection method: clinical testing. Allele origin: germline. Observed: 1 variant allele, 1 heterozygote.